The following is an entry in ClinVar:

NM_003126.4(SPTA1):c.678+9G>A

Gene: SPTA1 (spectrin alpha, erythrocytic 1; minus strand). Cytogenetic location: 1q23.1.
Variant type: single nucleotide variant.
Coding change: c.678+9G>A on transcript NM_003126.4 (MANE Select); 9 bases into the intron after coding-DNA position 678, G replaced by A.
Molecular consequence: intron variant.
Genome position (GRCh38, 1-based): chr1:158,680,574, C>T on the plus strand (G>A on the coding strand, the complement: SPTA1 is on the minus strand). VCF-style: chr1-158680574-C-T. GRCh37 (hg19) VCF-style: chr1-158650364-C-T.
Identifiers: ClinVar variation 4717092 (VCV004717092.1).
Genomic context (GRCh38, chr1:158,680,574, plus strand): 5'-TAATGGCCAGAAGTTATTCTTAAGGATAAGAACCCTTTGCACGGAGTGAATATTTTGCTC[C>T]CACCTCACCTCGGCACACTCATTGGCATATTGGTTCACTTCAACAACTCTCCCTTCTTTA-3'

ClinVar aggregate classification (germline): Uncertain significance (1 of 4 stars; one submission).

Submission:

Labcorp Genetics (formerly Invitae), Labcorp
Classification: Uncertain significance. Last evaluated: 2025-04-15. Review status: criteria provided, single submitter. Criteria: Invitae Variant Classification Sherloc (09022015). Collection method: clinical testing. Allele origin: germline.
Comment: This sequence change falls in intron 5 of the SPTA1 gene. It does not directly change the encoded amino acid sequence of the SPTA1 protein. This variant is not present in population databases (gnomAD no frequency). This variant has not been reported in the literature in individuals affected with SPTA1-related conditions. Algorithms developed to predict the effect of sequence changes on RNA splicing suggest that this variant may disrupt the consensus splice site. In summary, the available evidence is currently insufficient to determine the role of this variant in disease. Therefore, it has been classified as a Variant of Uncertain Significance.